The following is an entry in ClinVar:

ClinVar aggregate classification (germline): Uncertain significance. Review status: criteria provided, multiple submitters, no conflicts (2 of 4 stars). 2 submissions from 2 submitters: Uncertain significance (2). Last evaluated 2021-09-24.

Conditions:
Inborn genetic diseases. Identifiers: MedGen C0950123, MeSH D030342.
Multiple acyl-CoA dehydrogenase deficiency (MADD). Also called: ETHYLMALONIC-ADIPICACIDURIA; GA II; Glutaric acidemia type II; GA 2; Glutaric Acidemia type 2; Glutaric aciduria, type 2. Identifiers: Orphanet 26791, MedGen C0268596, MONDO:0009282, OMIM 231680.

Allele frequency attached by ClinVar (database versions not stated): ExAC 0.00003; TOPMed 0.00004; gnomAD 0.00005 and 0.00006.
gnomAD v4.1: 18 of 1,613,980 alleles (0.0011%); highest among the groups gnomAD compares: Admixed American, 0.018%; no homozygotes.

Submissions (2):

Labcorp Genetics (formerly Invitae), Labcorp
Classification: Uncertain significance for Multiple acyl-CoA dehydrogenase deficiency. Last evaluated: 2021-09-24. Review status: criteria provided, single submitter. Criteria: Invitae Variant Classification Sherloc (09022015). Collection method: clinical testing. Allele origin: germline.
Comment: This sequence change replaces isoleucine with valine at codon 62 of the ETFB protein (p.Ile62Val). The isoleucine residue is moderately conserved and there is a small physicochemical difference between isoleucine and valine. This variant is present in population databases (rs199705168, ExAC 0.02%). This variant has not been reported in the literature in individuals affected with ETFB-related conditions. Algorithms developed to predict the effect of missense changes on protein structure and function (SIFT, PolyPhen-2, Align-GVGD) all suggest that this variant is likely to be tolerated. In summary, the available evidence is currently insufficient to determine the role of this variant in disease. Therefore, it has been classified as a Variant of Uncertain Significance.

Ambry Genetics
Classification: Uncertain significance for Inborn genetic diseases. Last evaluated: 2020-11-04. Review status: criteria provided, single submitter. Criteria: Ambry Variant Classification Scheme 2023. Collection method: clinical testing. Allele origin: germline.
Comment: The c.184A>G (p.I62V) alteration is located in coding exon 2 of the ETFB gene. This alteration results from a A to G substitution at nucleotide position 184, causing the isoleucine (I) at amino acid position 62 to be replaced by a valine (V). Based on data from the Genome Aggregation Database (gnomAD) database, the ETFB c.184A>G alteration was observed in 0.0032% (9/282654) of total alleles studied, with a frequency of 0.014% (5/35434) in the Latino subpopulation. The p.I62V alteration is predicted to be tolerated by in silico analysis. Based on insufficient or conflicting evidence, the clinical significance of this alteration remains unclear.

NM_001985.3(ETFB):c.184A>G (p.Ile62Val)

Gene: ETFB (electron transfer flavoprotein subunit beta; minus strand). Cytogenetic location: 19q13.41.
Variant type: single nucleotide variant.
Coding change: c.184A>G on transcript NM_001985.3 (MANE Select); coding-DNA position 184, A replaced by G.
Protein change: p.Ile62Val; replaces isoleucine 62 with valine.
Molecular consequence: missense variant.
Genome position (GRCh38, 1-based): chr19:51,354,182, T>C on the plus strand (A>G on the coding strand, the complement: ETFB is on the minus strand). VCF-style: chr19-51354182-T-C. GRCh37 (hg19) VCF-style: chr19-51857436-T-C.
Other names: c.184A>G (NM_001985.2); c.457A>G, p.Ile153Val (NM_001014763.1); short protein forms I153V, I62V.
Identifiers: ClinVar variation 1442416 (VCV001442416.6), dbSNP rs199705168, ClinGen allele CA9610840.